The following is an entry in ClinVar:

ClinVar aggregate classification (germline): Pathogenic (1 of 4 stars; one submission).

Conditions:
Galactosylceramide beta-galactosidase deficiency. Also called: Krabbe Disease; Leukodystrophy, Globoid Cell; GALACTOCEREBROSIDASE DEFICIENCY; GALC DEFICIENCY; GLOBOID CELL LEUKOENCEPHALOPATHY. Identifiers: Orphanet 487, MedGen C0023521, MONDO:0009499, OMIM 245200.

Submission:

Labcorp Genetics (formerly Invitae), Labcorp
Classification: Pathogenic for Galactosylceramide beta-galactosidase deficiency. Last evaluated: 2021-03-17. Review status: criteria provided, single submitter. Criteria: Invitae Variant Classification Sherloc (09022015). Collection method: clinical testing. Allele origin: germline.
Comment: For these reasons, this variant has been classified as Pathogenic. This variant has not been reported in the literature in individuals with GALC-related conditions. This variant is not present in population databases (ExAC no frequency). This sequence change creates a premature translational stop signal (p.Asp262Lysfs*5) in the GALC gene. It is expected to result in an absent or disrupted protein product. Loss-of-function variants in GALC are known to be pathogenic (PMID: 7437911, 9272171, 16607461).

Literature cited by the submitters: PubMed 7437911; PubMed 9272171; PubMed 16607461.

NM_000153.4(GALC):c.782_783dup (p.Asp262fs)

Gene: GALC (galactosylceramidase; minus strand). Cytogenetic location: 14q31.3.
Variant type: Duplication.
Coding change: c.782_783dup on transcript NM_000153.4 (MANE Select); coding-DNA positions 782 to 783, 2 bases duplicated (AA; older notation c.782_783dupAA).
Protein change: p.Asp262fs; shifts the reading frame from aspartic acid 262.
Molecular consequence: frameshift variant.
Genome position (GRCh38, 1-based): chr14:87,968,460-87,968,461, TT duplicated on the plus strand (AA on the coding strand, the reverse complement: GALC is on the minus strand); duplicating any 2 consecutive bases within chr14:87,968,460-87,968,463 gives the same sequence; the c. name uses the placement nearest the transcript's 3' end. VCF-style (leftmost placement, unchanged base first): chr14-87968459-C-CTT. GRCh37 (hg19) VCF-style: chr14-88434803-C-CTT.
Other names: c.713_714dup, p.Asp239fs (NM_001201401.2); c.704_705dup, p.Asp236fs (NM_001201402.2); short protein forms D239fs, D236fs, D262fs.
Identifiers: ClinVar variation 1385679 (VCV001385679.6), dbSNP rs2140001750, ClinGen allele CA2573150265.